The following is an entry in ClinVar:

NM_001165963.4(SCN1A):c.3481G>C (p.Ala1161Pro)

Genes: SCN1A (sodium voltage-gated channel alpha subunit 1; minus strand), LOC102724058 (uncharacterized LOC102724058; plus strand). Cytogenetic location: 2q24.3.
Variant type: single nucleotide variant.
Coding change: c.3481G>C on transcript NM_001165963.4 (MANE Select); coding-DNA position 3481, G replaced by C.
Protein change: p.Ala1161Pro; replaces alanine 1161 with proline.
Molecular consequence: missense variant. On other transcripts: non-coding transcript variant (2).
Genome position (GRCh38, 1-based): chr2:166,015,676, C>G on the plus strand (G>C on the coding strand, the complement: SCN1A is on the minus strand). VCF-style: chr2-166015676-C-G. GRCh37 (hg19) VCF-style: chr2-166872186-C-G.
Other names: c.3448G>C, p.Ala1150Pro (NM_001353949.2, NM_001353950.2, NM_001353951.2 and 2 more transcripts); c.3445G>C, p.Ala1149Pro (NM_001353954.2, NM_001353955.2); c.3397G>C, p.Ala1133Pro (NM_001353957.2, NM_001353958.2, NM_001165964.3); c.3394G>C, p.Ala1132Pro (NM_001353960.2); c.1039G>C, p.Ala347Pro (NM_001353961.2); c.3481G>C, p.Ala1161Pro (NM_001202435.3, NM_001353948.2); short protein forms A1149P, A1132P, A1133P, A1161P, A1150P, A347P.
Identifiers: ClinVar variation 3634027 (VCV003634027.2).
Genomic context (GRCh38, chr2:166,015,676, plus strand): 5'-AACAAGCTTCTGGTTCAAGAGTTTCTTCAGGTTCCACTACGGGCTGTTCTTCTACAGGTG[C>G]GCCGATGTCCACAGTGCTACCTTCTGATGAGCTACTGCTTTCATTCAGTTTCTGTAAGTG-3'
Protein context (NP_001159435.1, residues 1151-1171): SSEGSTVDIG[Ala1161Pro]PVEEQPVVEP

ClinVar aggregate classification (germline): Uncertain significance (1 of 4 stars; one submission).

Conditions:
Early-infantile DEE. Also called: Early infantile epileptic encephalopathy; Ohtahara syndrome; Early infantile epileptic encephalopathy with suppression bursts. Identifiers: Orphanet 1934, MedGen C0393706, MONDO:0800491.

gnomAD v4.1: 1 of 1,612,696 alleles (0.000062%); highest among the groups gnomAD compares: South Asian, 0.0011%; no homozygotes.

Submission:

Labcorp Genetics (formerly Invitae), Labcorp
Classification: Uncertain significance for Early-infantile DEE. Last evaluated: 2024-02-02. Review status: criteria provided, single submitter. Criteria: Invitae Variant Classification Sherloc (09022015). Collection method: clinical testing. Allele origin: germline.
Comment: This sequence change replaces alanine, which is neutral and non-polar, with proline, which is neutral and non-polar, at codon 1161 of the SCN1A protein (p.Ala1161Pro). This variant is not present in population databases (gnomAD no frequency). This variant has not been reported in the literature in individuals affected with SCN1A-related conditions. Advanced modeling of protein sequence and biophysical properties (such as structural, functional, and spatial information, amino acid conservation, physicochemical variation, residue mobility, and thermodynamic stability) performed at Invitae indicates that this missense variant is not expected to disrupt SCN1A protein function with a negative predictive value of 95%. In summary, the available evidence is currently insufficient to determine the role of this variant in disease. Therefore, it has been classified as a Variant of Uncertain Significance.